The following is an entry in ClinVar:

NM_018127.7(ELAC2):c.200G>T (p.Ser67Ile)

Gene: ELAC2 (elaC ribonuclease Z 2; minus strand). Cytogenetic location: 17p12.
Variant type: single nucleotide variant.
Coding change: c.200G>T on transcript NM_018127.7 (MANE Select); coding-DNA position 200, G replaced by T.
Protein change: p.Ser67Ile; replaces serine 67 with isoleucine.
Molecular consequence: missense variant.
Genome position (GRCh38, 1-based): chr17:13,017,748, C>A on the plus strand (G>T on the coding strand, the complement: ELAC2 is on the minus strand). VCF-style: chr17-13017748-C-A. GRCh37 (hg19) VCF-style: chr17-12921065-C-A.
Other names: c.200G>T, p.Ser67Ile (NM_001165962.2, NM_173717.2); short protein forms S67I.
Identifiers: ClinVar variation 1478424 (VCV001478424.7), dbSNP rs1386145788, ClinGen allele CA398218970.

ClinVar aggregate classification (germline): Uncertain significance (1 of 4 stars; one submission).

Conditions:
Combined oxidative phosphorylation defect type 17. Also called: Combined oxidative phosphorylation deficiency 17. Identifiers: Orphanet 369913, MedGen C3809526, MONDO:0014190, OMIM 615440.

gnomAD v4.1: 5 of 1,611,486 alleles (0.00031%); highest among the groups gnomAD compares: Non-Finnish European, 0.00042%; no homozygotes.

Submission:

Labcorp Genetics (formerly Invitae), Labcorp
Classification: Uncertain significance for Combined oxidative phosphorylation defect type 17. Last evaluated: 2021-01-16. Review status: criteria provided, single submitter. Criteria: Invitae Variant Classification Sherloc (09022015). Collection method: clinical testing. Allele origin: germline.
Comment: This sequence change replaces serine with isoleucine at codon 67 of the ELAC2 protein (p.Ser67Ile). The serine residue is weakly conserved and there is a large physicochemical difference between serine and isoleucine. This variant is not present in population databases (ExAC no frequency). This variant has not been reported in the literature in individuals with ELAC2-related conditions. Algorithms developed to predict the effect of missense changes on protein structure and function are either unavailable or do not agree on the potential impact of this missense change (SIFT: "Tolerated"; PolyPhen-2: "Possibly Damaging"; Align-GVGD: "Class C0"). In summary, the available evidence is currently insufficient to determine the role of this variant in disease. Therefore, it has been classified as a Variant of Uncertain Significance.